The following is an entry in ClinVar:

NM_002691.4(POLD1):c.373C>G (p.Leu125Val)

Gene: POLD1 (DNA polymerase delta 1, catalytic subunit; plus strand). Cytogenetic location: 19q13.33.
Variant type: single nucleotide variant.
Coding change: c.373C>G on transcript NM_002691.4 (MANE Select); coding-DNA position 373, C replaced by G.
Protein change: p.Leu125Val; replaces leucine 125 with valine.
Molecular consequence: missense variant. On other transcripts: non-coding transcript variant (1).
Genome position (GRCh38, 1-based): chr19:50,401,834, C>G. VCF-style: chr19-50401834-C-G. GRCh37 (hg19) VCF-style: chr19-50905091-C-G.
Other names: c.373C>G, p.Leu125Val (NM_001256849.1, NM_001308632.1); short protein forms L125V.
Identifiers: ClinVar variation 408035 (VCV000408035.10), dbSNP rs1060501827, ClinGen allele CA16616110.

ClinVar aggregate classification (germline): Uncertain significance (1 of 4 stars; one submission).

Conditions:
POLD1-related polyposis and colorectal cancer syndrome (CRCS10). Also called: Colorectal cancer, susceptibility to, 10; Colorectal cancer 10; COLORECTAL CANCER, SUSCEPTIBILITY TO, ON CHROMOSOME 19q. Identifiers: Orphanet 220460, MedGen C2675481, MONDO:0012953, OMIM 612591.

Submission:

Labcorp Genetics (formerly Invitae), Labcorp
Classification: Uncertain significance for POLD1-related polyposis and colorectal cancer syndrome. Last evaluated: 2022-08-12. Review status: criteria provided, single submitter. Criteria: Invitae Variant Classification Sherloc (09022015). Collection method: clinical testing. Allele origin: germline.
Comment: This variant has not been reported in the literature in individuals affected with POLD1-related conditions. In summary, the available evidence is currently insufficient to determine the role of this variant in disease. Therefore, it has been classified as a Variant of Uncertain Significance. Algorithms developed to predict the effect of missense changes on protein structure and function (SIFT, PolyPhen-2, Align-GVGD) all suggest that this variant is likely to be tolerated. ClinVar contains an entry for this variant (Variation ID: 408035). This variant is not present in population databases (gnomAD no frequency). This sequence change replaces leucine, which is neutral and non-polar, with valine, which is neutral and non-polar, at codon 125 of the POLD1 protein (p.Leu125Val).